The following is an entry in ClinVar:

ClinVar aggregate classification (germline): Uncertain significance (1 of 4 stars; one submission).

Conditions:
Neuropathy, hereditary sensory and autonomic, type 2A (HSAN2A). Also called: MORVAN DISEASE; NEUROPATHY, CONGENITAL SENSORY; NEUROPATHY, HEREDITARY SENSORY RADICULAR, AUTOSOMAL RECESSIVE; NEUROPATHY, HEREDITARY SENSORY, TYPE IIA; NEUROPATHY, PROGRESSIVE SENSORY, OF CHILDREN; ACROOSTEOLYSIS, GIACCAI TYPE. Identifiers: Orphanet 970, MedGen C2752089, MONDO:0024309, OMIM 201300.
Generalized epilepsy with febrile seizures plus, type 7 (GEFSP7). Also called: GEFS+, TYPE 7. Identifiers: Orphanet 36387, MedGen C2751778, MONDO:0013470, OMIM 613863.

Allele frequency attached by ClinVar (database versions not stated): gnomAD exomes below 0.00001; TOPMed 0.00001.
gnomAD v4.1: 6 of 1,607,360 alleles (0.00037%); highest among the groups gnomAD compares: Non-Finnish European, 0.00051%; no homozygotes.

Submission:

Labcorp Genetics (formerly Invitae), Labcorp
Classification: Uncertain significance for Neuropathy, hereditary sensory and autonomic, type 2A; Generalized epilepsy with febrile seizures plus, type 7. Last evaluated: 2023-06-25. Review status: criteria provided, single submitter. Criteria: Invitae Variant Classification Sherloc (09022015). Collection method: clinical testing. Allele origin: germline.
Comment: In summary, the available evidence is currently insufficient to determine the role of this variant in disease. Therefore, it has been classified as a Variant of Uncertain Significance. Advanced modeling of protein sequence and biophysical properties (such as structural, functional, and spatial information, amino acid conservation, physicochemical variation, residue mobility, and thermodynamic stability) has been performed at Invitae for this missense variant, however the output from this modeling did not meet the statistical confidence thresholds required to predict the impact of this variant on SCN9A protein function. This variant has not been reported in the literature in individuals affected with SCN9A-related conditions. This variant is present in population databases (no rsID available, gnomAD 0.0009%). This sequence change replaces phenylalanine, which is neutral and non-polar, with leucine, which is neutral and non-polar, at codon 1226 of the SCN9A protein (p.Phe1226Leu).

NM_001365536.1(SCN9A):c.3711C>A (p.Phe1237Leu)

Genes: SCN9A (sodium voltage-gated channel alpha subunit 9; minus strand), SCN1A-AS1 (SCN1A and SCN9A antisense RNA 1; plus strand). Cytogenetic location: 2q24.3.
Variant type: single nucleotide variant.
Coding change: c.3711C>A on transcript NM_001365536.1 (MANE Select); coding-DNA position 3711, C replaced by A.
Protein change: p.Phe1237Leu; replaces phenylalanine 1237 with leucine.
Molecular consequence: missense variant.
Genome position (GRCh38, 1-based): chr2:166,238,184, G>T on the plus strand (C>A on the coding strand, the complement: SCN9A is on the minus strand). VCF-style: chr2-166238184-G-T. GRCh37 (hg19) VCF-style: chr2-167094694-G-T.
Other names: c.3678C>A, p.Phe1226Leu (NM_002977.4); short protein forms F1237L, F1226L.
Identifiers: ClinVar variation 2925901 (VCV002925901.3), dbSNP rs1269325856, ClinGen allele CA349068708.
Genomic context (GRCh38, chr2:166,238,184, plus strand): 5'-GGCATTGGTGAAATATGTTTTATAACCATATGCTATCCATTTTAGAAGCATTTCCAGAAT[G>T]AAGATGTAAGTGAAGATCTTGTCTGCATACTCCAGGATAATCTTAATGGTCTTTTTCCTT-3'
Protein context (NP_001352465.1, residues 1227-1247): EYADKIFTYI[Phe1237Leu]ILEMLLKWIA